The following is an entry in ClinVar:

ClinVar aggregate classification (germline): Conflicting classifications of pathogenicity. Review status: criteria provided, conflicting classifications (1 of 4 stars). 2 submissions from 2 submitters: Uncertain significance (1); Likely benign (1). Last evaluated 2024-11-12.

Conditions:
Brown-Vialetto-van Laere syndrome 2. Also called: SPINOCEREBELLAR ATAXIA WITH BLINDNESS AND DEAFNESS 2; Riboflavin transporter deficiency type 2. Identifiers: Orphanet 572543, Orphanet 97229, MedGen C3553538, MONDO:0013867, OMIM 614707.

Allele frequency attached by ClinVar (database versions not stated): gnomAD exomes below 0.00001; ExAC 0.00001.

Submissions (2):

GeneDx
Classification: Uncertain significance. Last evaluated: 2024-11-12. Review status: criteria provided, single submitter. Criteria: GeneDx Variant Classification Process June 2021. Collection method: clinical testing. Allele origin: germline. Affected: yes.
Comment: Not observed at significant frequency in large population cohorts (gnomAD); In silico analysis indicates that this variant does not alter splicing; Has not been previously published as pathogenic or benign to our knowledge

Labcorp Genetics (formerly Invitae), Labcorp
Classification: Likely benign for Brown-Vialetto-van Laere syndrome 2. Last evaluated: 2023-01-13. Review status: criteria provided, single submitter. Criteria: Invitae Variant Classification Sherloc (09022015). Collection method: clinical testing. Allele origin: germline.

NM_001363118.2(SLC52A2):c.922C>T (p.Leu308=)

Gene: SLC52A2 (solute carrier family 52 member 2; plus strand). Cytogenetic location: 8q24.3.
Variant type: single nucleotide variant.
Coding change: c.922C>T on transcript NM_001363118.2 (MANE Select); coding-DNA position 922, C replaced by T.
Protein change: p.Leu308=; no amino-acid change (leucine 308 retained).
Molecular consequence: synonymous variant. On other transcripts: non-coding transcript variant (1).
Genome position (GRCh38, 1-based): chr8:144,360,414, C>T. VCF-style: chr8-144360414-C-T. GRCh37 (hg19) VCF-style: chr8-145584074-C-T.
Other names: c.922C>T, p.Leu308= (NM_001253815.2, NM_001253816.2, NM_001363120.2 and 2 more transcripts); c.430C>T, p.Leu144= (NM_001363122.2).
Identifiers: ClinVar variation 746425 (VCV000746425.9), dbSNP rs782731667, ClinGen allele CA4938315.